The following is an entry in ClinVar:

NM_001018115.3(FANCD2):c.2554C>T (p.Pro852Ser)

Genes: FANCD2 (FA complementation group D2; plus strand), LOC107303338 (3p25 FANCD2 Alu-mediated recombination region; plus strand). Cytogenetic location: 3p25.3.
Variant type: single nucleotide variant.
Coding change: c.2554C>T on transcript NM_001018115.3 (MANE Select); coding-DNA position 2554, C replaced by T.
Protein change: p.Pro852Ser; replaces proline 852 with serine.
Molecular consequence: missense variant.
Genome position (GRCh38, 1-based): chr3:10,072,930, C>T. VCF-style: chr3-10072930-C-T. GRCh37 (hg19) VCF-style: chr3-10114614-C-T.
Other names: c.2554C>T, p.Pro852Ser (NM_001319984.2, NM_001374254.1, NM_033084.6); c.2443C>T, p.Pro815Ser (NM_001374253.1); c.2554C>T (NM_033084.3); short protein forms P815S, P852S.
Identifiers: ClinVar variation 1337819 (VCV001337819.5), dbSNP rs777727311, ClinGen allele CA351741780.

ClinVar aggregate classification (germline): Uncertain significance. Review status: criteria provided, multiple submitters, no conflicts (2 of 4 stars). 2 submissions from 2 submitters: Uncertain significance (2). Last evaluated 2025-07-14.

Conditions:
Inborn genetic diseases. Identifiers: MedGen C0950123, MeSH D030342.

Allele frequency attached by ClinVar (database versions not stated): gnomAD 0.00001 and 0.00002; gnomAD exomes 0.00001; TOPMed 0.00002.
gnomAD v4.1: 14 of 1,611,834 alleles (0.00087%); highest among the groups gnomAD compares: African/African-American, 0.004%; no homozygotes.

Submissions (2):

Ambry Genetics
Classification: Uncertain significance for Inborn genetic diseases. Last evaluated: 2025-07-14. Review status: criteria provided, single submitter. Criteria: Ambry Variant Classification Scheme 2023. Collection method: clinical testing. Allele origin: germline.

Genetic Services Laboratory, University of Chicago
Classification: Uncertain significance. Last evaluated: 2021-01-15. Review status: criteria provided, single submitter. Criteria: ACMG Guidelines, 2015. Collection method: clinical testing. Allele origin: germline. Affected: no.
Comment: DNA sequence analysis of the FANCD2 gene demonstrated a sequence change, c.2554C>T, in exon 27 that results in an amino acid change, p.Pro852Ser. This sequence change does not appear to have been previously described in patients with FANCD2-related disorders and has been described in the gnomAD database in a single individual with an overall population frequency of 0.0004% (dbSNP rs777727311). The p.Pro852Ser change affects a moderately conserved amino acid residue located in a domain of the FANCD2 protein that is not known to be functional. The p.Pro852Ser substitution appears to be benign using several in-silico pathogenicity prediction tools (SIFT, PolyPhen2, Align GVGD, REVEL). Due to these contrasting evidences and the lack of functional studies, the clinical significance of the p.Pro852Ser change remains unknown at this time.